The following is an entry in ClinVar:

NM_000138.5(FBN1):c.3651C>A (p.Gly1217=)

Gene: FBN1 (fibrillin 1; minus strand). Cytogenetic location: 15q21.1.
Variant type: single nucleotide variant.
Coding change: c.3651C>A on transcript NM_000138.5 (MANE Select); coding-DNA position 3651, C replaced by A.
Protein change: p.Gly1217=; no amino-acid change (glycine 1217 retained).
Molecular consequence: synonymous variant.
Genome position (GRCh38, 1-based): chr15:48,485,435, G>T on the plus strand (C>A on the coding strand, the complement: FBN1 is on the minus strand). VCF-style: chr15-48485435-G-T. GRCh37 (hg19) VCF-style: chr15-48777632-G-T.
Other names: c.3651C>A, p.Gly1217= (NM_001406716.1).
Identifiers: ClinVar variation 3071772 (VCV003071772.4), dbSNP rs2505544945, ClinGen allele CA490017544.

ClinVar aggregate classification (germline): Likely benign. Review status: criteria provided, multiple submitters, no conflicts (2 of 4 stars). 3 submissions from 3 submitters: Likely benign (3). Last evaluated 2026-04-27.

Conditions:
Marfan syndrome (MFS). Also called: MARFAN SYNDROME, TYPE I; Marfan syndrome type 1; Marfan's syndrome; Marfan syndrome, classic; FBN1-Related Marfan Syndrome. Identifiers: Orphanet 284963, Orphanet 558, MedGen C0024796, MONDO:0007947, OMIM 154700.
Familial thoracic aortic aneurysm and aortic dissection (TAAD). Also called: Thoracic aortic aneurysms and dissections. Identifiers: Orphanet 91387, MedGen C4707243, MONDO:0019625.

Submissions (3):

Ambry Genetics
Classification: Likely benign for Familial thoracic aortic aneurysm and aortic dissection. Last evaluated: 2026-04-27. Review status: criteria provided, single submitter. Criteria: Ambry Variant Classification Scheme 2023. Collection method: clinical testing. Allele origin: germline.

Labcorp Genetics (formerly Invitae), Labcorp
Classification: Likely benign for Marfan syndrome; Familial thoracic aortic aneurysm and aortic dissection. Last evaluated: 2024-08-11. Review status: criteria provided, single submitter. Criteria: Invitae Variant Classification Sherloc (09022015). Collection method: clinical testing. Allele origin: germline.

All of Us Research Program, National Institutes of Health
Classification: Likely benign for Marfan syndrome. Last evaluated: 2023-06-26. Review status: criteria provided, single submitter. Criteria: ACMG Guidelines, 2015. Collection method: clinical testing. Allele origin: germline. Inheritance: Autosomal dominant inheritance. Observed: 1 variant allele, 1 heterozygote.
Comment: This study involves interpretation of variants in research participants for the purpose of population health screening. Participant phenotype was not available at the time of variant classification. Additional details can be found in publication PMID: 35346344, PMCID: PMC8962531